The following is an entry in ClinVar:

NM_018975.4(TERF2IP):c.1004C>T (p.Ala335Val)

Gene: TERF2IP (TERF2 interacting protein; plus strand). Cytogenetic location: 16q23.1.
Variant type: single nucleotide variant.
Coding change: c.1004C>T on transcript NM_018975.4 (MANE Select); coding-DNA position 1004, C replaced by T.
Protein change: p.Ala335Val; replaces alanine 335 with valine.
Molecular consequence: missense variant. On other transcripts: non-coding transcript variant (1).
Genome position (GRCh38, 1-based): chr16:75,656,415, C>T. VCF-style: chr16-75656415-C-T. GRCh37 (hg19) VCF-style: chr16-75690313-C-T.
Other names: short protein forms A335V.
Identifiers: ClinVar variation 1778252 (VCV001778252.2), dbSNP rs1374160022, ClinGen allele CA396820061.

ClinVar aggregate classification (germline): Uncertain significance (1 of 4 stars; one submission).

Submission:

Ambry Genetics
Classification: Uncertain significance. Last evaluated: 2022-07-01. Review status: criteria provided, single submitter. Criteria: Ambry Variant Classification Scheme 2023. Collection method: clinical testing. Allele origin: germline.
Comment: The p.A335V variant (also known as c.1004C>T), located in coding exon 3 of the TERF2IP gene, results from a C to T substitution at nucleotide position 1004. The alanine at codon 335 is replaced by valine, an amino acid with similar properties. This amino acid position is conserved. In addition, the in silico prediction for this alteration is inconclusive. Since supporting evidence is limited at this time, the clinical significance of this alteration remains unclear.